The following is an entry in ClinVar:

NM_000051.4(ATM):c.4019_4029del (p.Leu1340fs)

Gene: ATM (ATM serine/threonine kinase; plus strand). Cytogenetic location: 11q22.3.
Variant type: Deletion.
Coding change: c.4019_4029del on transcript NM_000051.4 (MANE Select); coding-DNA positions 4019 to 4029, 11 bases deleted (TACCAGAGATT).
Protein change: p.Leu1340fs; shifts the reading frame from leucine 1340.
Molecular consequence: frameshift variant.
Genome position (GRCh38, 1-based): chr11:108,287,625-108,287,635, TACCAGAGATT deleted; deleting any 11 consecutive bases within chr11:108,287,622-108,287,635 gives the same sequence; the c. name uses the placement nearest the transcript's 3' end. VCF-style (leftmost placement, unchanged base first): chr11-108287621-AATTTACCAGAG-A. GRCh37 (hg19) VCF-style: chr11-108158348-AATTTACCAGAG-A.
Other names: c.4019_4029delTACCAGAGATT (NM_000051.3); c.4019_4029del, p.Leu1340fs (NM_001351834.2); short protein forms L1340fs.
Identifiers: ClinVar variation 371269 (VCV000371269.23), dbSNP rs1057517140, ClinGen allele CA16041409.

ClinVar aggregate classification (germline): Pathogenic/Likely pathogenic. Review status: criteria provided, multiple submitters, no conflicts (2 of 4 stars). 9 submissions from 9 submitters: Pathogenic (6); Likely pathogenic (1). 2 of the submissions do not count toward it. Last evaluated 2025-11-11.

Conditions:
ATM-related disorder. Also called: ATM-related disorders; ATM-related condition.
Hereditary cancer-predisposing syndrome. Also called: Hereditary Cancer Syndrome; Hereditary neoplastic syndrome; Tumor predisposition; Neoplastic Syndromes, Hereditary. Identifiers: Orphanet 140162, MedGen C0027672, MeSH D009386, MONDO:0015356.
Familial cancer of breast. Also called: Hereditary breast cancer; hereditary breast carcinoma; BREAST CANCER, FAMILIAL. Identifiers: Orphanet 227535, MedGen C0346153, MONDO:0016419, OMIM 114480. Disease mechanism: loss of function.
Ataxia-telangiectasia syndrome (AT). Also called: Ataxia-telangiectasia, complementation group E; Ataxia-telangiectasia, complementation group D; AT, COMPLEMENTATION GROUP C; ATAXIA-TELANGIECTASIA, COMPLEMENTATION GROUP A; ATAXIA-TELANGIECTASIA, FRESNO VARIANT; Ataxia-telangiectasia. Identifiers: Orphanet 100, MedGen C0004135, MONDO:0008840, OMIM 208900.

Submissions (9):

Labcorp Genetics (formerly Invitae), Labcorp
Classification: Pathogenic for Ataxia-telangiectasia syndrome. Last evaluated: 2025-11-11. Review status: criteria provided, single submitter. Criteria: Invitae Variant Classification Sherloc (09022015). Collection method: clinical testing. Allele origin: germline.
Comment: This sequence change creates a premature translational stop signal (p.Leu1340Cysfs*10) in the ATM gene. It is expected to result in an absent or disrupted protein product. Loss-of-function variants in ATM are known to be pathogenic (PMID: 23807571, 25614872). This variant is present in population databases (no rsID available, gnomAD 0.008%). This variant has not been reported in the literature in individuals affected with ATM-related conditions. ClinVar contains an entry for this variant (Variation ID: 371269). For these reasons, this variant has been classified as Pathogenic.

GeneDx
Classification: Pathogenic. Last evaluated: 2025-02-05. Review status: criteria provided, single submitter. Criteria: GeneDx Variant Classification Process June 2021. Collection method: clinical testing. Allele origin: germline.
Comment: Frameshift variant predicted to result in protein truncation or nonsense mediated decay in a gene for which loss of function is a known mechanism of disease; Not observed at significant frequency in large population cohorts (gnomAD); Truncating variants in this gene are considered pathogenic by a well-established clinical consortium and/or database; Reported in a patient with immunodeficiency; however, additional clinical information was not included (PMID: 32462469); This variant is associated with the following publications: (PMID: 23807571, 25614872, 32462469)

Ambry Genetics
Classification: Pathogenic for Hereditary cancer-predisposing syndrome. Last evaluated: 2024-12-19. Review status: criteria provided, single submitter. Criteria: Ambry Variant Classification Scheme 2023. Collection method: clinical testing. Allele origin: germline.
Comment: The c.4019_4029del11 pathogenic mutation, located in coding exon 26 of the ATM gene, results from a deletion of 11 nucleotides at nucleotide positions 4019 to 4029, causing a translational frameshift with a predicted alternate stop codon (p.L1340Cfs*10). This variant is considered to be rare based on population cohorts in the Genome Aggregation Database (gnomAD). This alteration is expected to result in loss of function by premature protein truncation or nonsense-mediated mRNA decay. As such, this alteration is interpreted as a disease-causing mutation.

Natera, Inc.
Classification: Pathogenic for Ataxia-telangiectasia. Last evaluated: 2024-10-02. Review status: criteria provided, single submitter. Criteria: Natera Variant Classification Schema (03/2026). Collection method: clinical testing. Allele origin: germline.
Comment: The c.4019_4029delTACCAGAGATT variant in ATM is a frameshift variant predicted to shift the reading frame beginning at codon 1340 and leads to a stop codon 10 codons downstream. This variant is expected to result in nonsense mediated decay, truncation, or a dysfunctional protein product. This variant is rare in the general population with a frequency below the threshold expected for the associated phenotype(s). This variant has been observed in one or more individuals affected with the associated recessive disease, as either homozygous or compound heterozygous with a second variant (PMID: 32462469). Given the available evidence, this variant is classified as Pathogenic.

Myriad Genetics, Inc.
Classification: Pathogenic for Familial cancer of breast. Last evaluated: 2024-01-23. Review status: criteria provided, single submitter. Criteria: Myriad Autosomal Dominant, Autosomal Recessive and X-Linked Classification Criteria (2023). Collection method: clinical testing. Allele origin: unknown.
Comment: This variant is considered pathogenic. This variant creates a frameshift predicted to result in premature protein truncation.

Baylor Genetics
Classification: Likely pathogenic for Familial cancer of breast. Last evaluated: 2022-12-19. Review status: criteria provided, single submitter. Criteria: ACMG Guidelines, 2015. Collection method: clinical testing. Allele origin: unknown.

Color Diagnostics, LLC DBA Color Health
Classification: Pathogenic for Hereditary cancer-predisposing syndrome. Last evaluated: 2022-04-19. Review status: criteria provided, single submitter. Criteria: ACMG Guidelines, 2015. Collection method: clinical testing. Allele origin: germline.
Comment: This variant deletes 11 nucleotides in exon 27 of the ATM gene, creating a frameshift and premature translation stop signal. This variant is expected to result in an absent or non-functional protein product. This variant has not been reported in individuals affected with hereditary cancer in the literature. This variant has been identified in 2/279966 chromosomes in the general population by the Genome Aggregation Database (gnomAD). Loss of ATM function is a known mechanism of disease. Based on the available evidence, this variant is classified as Pathogenic.

PreventionGenetics, part of Exact Sciences
Classification: Pathogenic for ATM-related condition. Last evaluated: 2024-03-28. Review status: no assertion criteria provided. Collection method: clinical testing. Allele origin: germline. Not counted in ClinVar's aggregate classification.
Comment: The ATM c.4019_4029del11 variant is predicted to result in a frameshift and premature protein termination (p.Leu1340Cysfs*10). It has been reported in compound heterozygous state with c.2817del (p.Lys940Asnfs*9) in a patient with ataxia-telangiectasia (Table 3, Quinn et al. 2020. PubMed ID: 32462469). This variant is reported in 0.0080% of alleles in individuals of African descent in gnomAD. Frameshift variants in ATM are expected to be pathogenic. In ClinVar, this variant has interpretations of likely pathogenic and pathogenic. This variant is interpreted as pathogenic.

Counsyl
Classification: Likely pathogenic for Ataxia-telangiectasia syndrome. Last evaluated: 2016-08-12. Review status: no assertion criteria provided. Collection method: clinical testing. Allele origin: unknown. Not counted in ClinVar's aggregate classification.

Literature cited by the submitters: PubMed 23807571 (cited by Labcorp Genetics (formerly Invitae), Labcorp); PubMed 25614872 (cited by Labcorp Genetics (formerly Invitae), Labcorp); PubMed 32462469 (cited by Natera, Inc.).